The following is an entry in ClinVar:

ClinVar aggregate classification (germline): Likely pathogenic (1 of 4 stars; one submission).

Conditions:
Ullrich congenital muscular dystrophy 1B (UCMD1B). Identifiers: MedGen C5935582, MONDO:0958235, OMIM 620727.

Submission:

Dasa
Classification: Likely pathogenic for Ullrich congenital muscular dystrophy 1B. Last evaluated: 2025-10-21. Review status: criteria provided, single submitter. Criteria: DASA Assertion Criteria. Collection method: clinical testing. Allele origin: germline.
Comment: NM_001849.4(COL6A2):c.2400del (p.Asp800Glufs*64) is a frameshift variant in COL6A2 predicted to alter the reading frame and introduce a premature termination codon and is predicted to result in an absent or altered protein product. Loss of function is an established disease mechanism for COL6A2-associated disorders. Also, this variant is absent from population databases. Based on the currently available evidence, this variant is classified as likely pathogenic.

NM_001849.4(COL6A2):c.2400del (p.Asp800fs)

Gene: COL6A2 (collagen type VI alpha 2 chain; plus strand). Cytogenetic location: 21q22.3.
Variant type: Deletion.
Coding change: c.2400del on transcript NM_001849.4 (MANE Select); coding-DNA position 2400, one base deleted (C; older notation c.2400delC).
Protein change: p.Asp800fs; shifts the reading frame from aspartic acid 800.
Molecular consequence: frameshift variant.
Genome position (GRCh38, 1-based): chr21:46,126,215, C deleted. VCF-style (leftmost placement, unchanged base first): chr21-46126214-AC-A. GRCh37 (hg19) VCF-style: chr21-47546128-AC-A.
Other names: c.2400del, p.Asp800fs (NM_058174.3, NM_058175.3); short protein forms D800fs.
Identifiers: ClinVar variation 4880659 (VCV004880659.2).